The following is an entry in ClinVar:

ClinVar aggregate classification (germline): Likely benign (1 of 4 stars; one submission).

Allele frequency attached by ClinVar (database versions not stated): 1000 Genomes Project 30x 0.00031; 1000 Genomes Project 0.00040; TOPMed 0.00090; gnomAD 0.00103; gnomAD exomes 0.00285.
gnomAD v4.1: 181 of 159,092 alleles (0.11%); highest among the groups gnomAD compares: Middle Eastern, 3.7%; 2 homozygotes.

Submission:

CeGaT Center for Human Genetics Tuebingen
Classification: Likely benign. Last evaluated: 2026-04-01. Review status: criteria provided, single submitter. Criteria: CeGaT Center For Human Genetics Tuebingen Variant Classification Criteria Version 2. Collection method: clinical testing. Allele origin: germline. Affected: yes. Observed: 21 variant alleles.
Comment: SMARCB1: BS1

NM_003073.5(SMARCB1):c.500+882C>G

Gene: SMARCB1 (SWI/SNF related BAF chromatin remodeling complex subunit B1; plus strand). Cytogenetic location: 22q11.23.
Variant type: single nucleotide variant.
Coding change: c.500+882C>G on transcript NM_003073.5 (MANE Select); 882 bases into the intron after coding-DNA position 500, C replaced by G.
Molecular consequence: intron variant.
Genome position (GRCh38, 1-based): chr22:23,801,963, C>G. VCF-style: chr22-23801963-C-G. GRCh37 (hg19) VCF-style: chr22-24144150-C-G.
Other names: c.554+828C>G (NM_001362877.2); c.527+828C>G (NM_001317946.2); c.473+882C>G (NM_001007468.3).
Identifiers: ClinVar variation 2652972 (VCV002652972.24), dbSNP rs149147366, ClinGen allele CA322603048.